The following is an entry in ClinVar:

NM_000298.6(PKLR):c.1327C>T (p.Arg443Trp)

Gene: PKLR (pyruvate kinase L/R; minus strand). Cytogenetic location: 1q22.
Variant type: single nucleotide variant.
Coding change: c.1327C>T on transcript NM_000298.6 (MANE Select); coding-DNA position 1327, C replaced by T.
Protein change: p.Arg443Trp; replaces arginine 443 with tryptophan.
Molecular consequence: missense variant.
Genome position (GRCh38, 1-based): chr1:155,293,286, G>A on the plus strand (C>T on the coding strand, the complement: PKLR is on the minus strand). VCF-style: chr1-155293286-G-A. GRCh37 (hg19) VCF-style: chr1-155263077-G-A.
Other names: p.Arg443Trp; c.1234C>T, p.Arg412Trp (NM_181871.4); short protein forms R412W, R443W.
Identifiers: ClinVar variation 2682658 (VCV002682658.4), dbSNP rs1326895470, ClinGen allele CA342751932.
Genomic context (GRCh38, chr1:155,293,286, plus strand): 5'-CAGCCTCCACAGCACCAATGGCGGTGACCTCAGTGGGATCACGGCTTAGTGGCGCTGCCC[G>A]ACGTAGCTCCTCAAACAGCTGCCGGTGGTACACTGCGGCCTCTGCCTCCCGGGCAATCTG-3'
Protein context (NP_000289.1, residues 433-453): YHRQLFEELR[Arg443Trp]AAPLSRDPTE

ClinVar aggregate classification (germline): Uncertain significance. Review status: criteria provided, multiple submitters, no conflicts (2 of 4 stars). 2 submissions from 2 submitters: Uncertain significance (2). Last evaluated 2023-05-17.

Allele frequency attached by ClinVar (database versions not stated): gnomAD exomes below 0.00001.
gnomAD v4.1: 6 of 1,614,242 alleles (0.00037%); highest among the groups gnomAD compares: Non-Finnish European, 0.00051%; no homozygotes.

Submissions (2):

Mayo Clinic Laboratories, Mayo Clinic
Classification: Uncertain significance. Last evaluated: 2023-05-17. Review status: criteria provided, single submitter. Criteria: ACMG Guidelines, 2015. Collection method: clinical testing. Allele origin: germline. Observed: 2 variant alleles.
Comment: PP3, PM2

Labcorp Genetics (formerly Invitae), Labcorp
Classification: Uncertain significance. Last evaluated: 2023-03-03. Review status: criteria provided, single submitter. Criteria: Invitae Variant Classification Sherloc (09022015). Collection method: clinical testing. Allele origin: germline.
Comment: This variant is present in population databases (no rsID available, gnomAD 0.006%). In summary, the available evidence is currently insufficient to determine the role of this variant in disease. Therefore, it has been classified as a Variant of Uncertain Significance. An algorithm developed to predict the effect of missense changes on protein structure and function (PolyPhen-2) suggests that this variant is likely to be disruptive. This variant has not been reported in the literature in individuals affected with PKLR-related conditions. This sequence change replaces arginine, which is basic and polar, with tryptophan, which is neutral and slightly polar, at codon 443 of the PKLR protein (p.Arg443Trp).